The following is an entry in ClinVar:

NM_005045.4(RELN):c.8543A>G (p.Asp2848Gly)

Genes: RELN (reelin; minus strand), SLC26A5-AS1 (SLC26A5 antisense RNA 1; plus strand). Cytogenetic location: 7q22.1.
Variant type: single nucleotide variant.
Coding change: c.8543A>G on transcript NM_005045.4 (MANE Select); coding-DNA position 8543, A replaced by G.
Protein change: p.Asp2848Gly; replaces aspartic acid 2848 with glycine.
Molecular consequence: missense variant.
Genome position (GRCh38, 1-based): chr7:103,500,869, T>C on the plus strand (A>G on the coding strand, the complement: RELN is on the minus strand). VCF-style: chr7-103500869-T-C. GRCh37 (hg19) VCF-style: chr7-103141316-T-C.
Other names: c.8543A>G, p.Asp2848Gly (NM_173054.3); short protein forms D2848G.
Identifiers: ClinVar variation 1701533 (VCV001701533.31), dbSNP rs2117033324, ClinGen allele CA368755872.
Genomic context (GRCh38, chr7:103,500,869, plus strand): 5'-CTTAAGCAATCTCCATGGCCCCTGCAGTTGTCCAAGCATCCAGGGCCCAGGTAGAAATTA[T>C]CGATTGCCCACTGCATGTCTGAGTACTTCTGATAGAACCTAAACCTTACCGGACTATTGA-3'
Protein context (NP_005036.2, residues 2838-2858): QKYSDMQWAI[Asp2848Gly]NFYLGPGCLD

ClinVar aggregate classification (germline): Uncertain significance (1 of 4 stars; one submission).

Submission:

CeGaT Center for Human Genetics Tuebingen
Classification: Uncertain significance. Last evaluated: 2022-07-01. Review status: criteria provided, single submitter. Criteria: CeGaT Center For Human Genetics Tuebingen Variant Classification Criteria Version 2. Collection method: clinical testing. Allele origin: germline. Affected: yes. Observed: 1 variant allele.
Comment: RELN: PM2